The following is an entry in ClinVar:

ClinVar aggregate classification (germline): Uncertain significance (1 of 4 stars; one submission).

Conditions:
Inborn genetic diseases. Identifiers: MedGen C0950123, MeSH D030342.

Submission:

Ambry Genetics
Classification: Uncertain significance for Inborn genetic diseases. Last evaluated: 2021-08-30. Review status: criteria provided, single submitter. Criteria: Ambry Variant Classification Scheme 2023. Collection method: clinical testing. Allele origin: germline.
Comment: The p.K1259R variant (also known as c.3776A>G), located in coding exon 18 of the ATP7A gene, results from an A to G substitution at nucleotide position 3776. The lysine at codon 1259 is replaced by arginine, an amino acid with highly similar properties. This amino acid position is conserved. In addition, this alteration is predicted to be tolerated by in silico analysis. Since supporting evidence is limited at this time, the clinical significance of this alteration remains unclear.

NM_000052.7(ATP7A):c.3776A>G (p.Lys1259Arg)

Gene: ATP7A (ATPase copper transporting alpha; plus strand). Cytogenetic location: Xq21.1.
Variant type: single nucleotide variant.
Coding change: c.3776A>G on transcript NM_000052.7 (MANE Select); coding-DNA position 3776, A replaced by G.
Protein change: p.Lys1259Arg; replaces lysine 1259 with arginine.
Molecular consequence: missense variant. On other transcripts: non-coding transcript variant (1).
Genome position (GRCh38, 1-based): chrX:78,040,708, A>G. VCF-style: chrX-78040708-A-G. GRCh37 (hg19) VCF-style: chrX-77296206-A-G.
Other names: c.3542A>G, p.Lys1181Arg (NM_001282224.2); short protein forms K1181R, K1259R.
Identifiers: ClinVar variation 1734796 (VCV001734796.2), dbSNP rs962646396, ClinGen allele CA413604944.